The following is an entry in ClinVar:

NM_000361.3(THBD):c.1146C>G (p.Asn382Lys)

Gene: THBD (thrombomodulin; minus strand). Cytogenetic location: 20p11.21.
Variant type: single nucleotide variant.
Coding change: c.1146C>G on transcript NM_000361.3 (MANE Select); coding-DNA position 1146, C replaced by G.
Protein change: p.Asn382Lys; replaces asparagine 382 with lysine.
Molecular consequence: missense variant.
Genome position (GRCh38, 1-based): chr20:23,048,359, G>C on the plus strand (C>G on the coding strand, the complement: THBD is on the minus strand). VCF-style: chr20-23048359-G-C. GRCh37 (hg19) VCF-style: chr20-23028996-G-C.
Other names: short protein forms N382K.
Identifiers: ClinVar variation 2855688 (VCV002855688.3), dbSNP rs1984636535, ClinGen allele CA408406166.

ClinVar aggregate classification (germline): Uncertain significance (1 of 4 stars; one submission).

Submission:

Labcorp Genetics (formerly Invitae), Labcorp
Classification: Uncertain significance. Last evaluated: 2023-07-14. Review status: criteria provided, single submitter. Criteria: Invitae Variant Classification Sherloc (09022015). Collection method: clinical testing. Allele origin: germline.
Comment: In summary, the available evidence is currently insufficient to determine the role of this variant in disease. Therefore, it has been classified as a Variant of Uncertain Significance. This sequence change replaces asparagine, which is neutral and polar, with lysine, which is basic and polar, at codon 382 of the THBD protein (p.Asn382Lys). This variant has not been reported in the literature in individuals affected with THBD-related conditions. Algorithms developed to predict the effect of missense changes on protein structure and function output the following: SIFT: "Not Available"; PolyPhen-2: "Benign"; Align-GVGD: "Not Available". The lysine amino acid residue is found in multiple mammalian species, which suggests that this missense change does not adversely affect protein function. This variant is not present in population databases (gnomAD no frequency).